The following is an entry in ClinVar:

ClinVar aggregate classification (germline): Benign/Likely benign. Review status: criteria provided, multiple submitters, no conflicts (2 of 4 stars). 8 submissions from 8 submitters: Benign (3); Likely benign (4). 1 of the submissions does not count toward it. Last evaluated 2026-08-01.

Conditions:
CAD-related disorder. Also called: CAD-related condition.
Developmental and epileptic encephalopathy, 50 (DEE50). Also called: Epileptic encephalopathy, early infantile, 50. Identifiers: Orphanet 448010, MedGen C4225320, MONDO:0014647, OMIM 616457.
Inborn genetic diseases. Identifiers: MedGen C0950123, MeSH D030342.

Allele frequency attached by ClinVar (database versions not stated): 1000 Genomes Project 30x 0.00219; 1000 Genomes Project 0.00220; ExAC 0.00450; gnomAD exomes 0.00499 and 0.00745; TOPMed 0.00507; gnomAD 0.00549 and 0.00569; ESP Exome Variant Server 0.00561.
gnomAD v4.1: 11,580 of 1,612,830 alleles (0.72%); highest among the groups gnomAD compares: Non-Finnish European, 0.87%; 56 homozygotes.

Submissions (8):

CeGaT Center for Human Genetics Tuebingen
Classification: Likely benign. Last evaluated: 2026-08-01. Review status: criteria provided, single submitter. Criteria: CeGaT Center For Human Genetics Tuebingen Variant Classification Criteria Version 2. Collection method: clinical testing. Allele origin: germline. Affected: yes. Observed: 61 variant alleles.
Comment: CAD: BS2

Labcorp Genetics (formerly Invitae), Labcorp
Classification: Likely benign. Last evaluated: 2026-02-04. Review status: criteria provided, single submitter. Criteria: Invitae Variant Classification Sherloc (09022015). Collection method: clinical testing. Allele origin: germline.

Genomic Medicine Center of Excellence, King Faisal Specialist Hospital and Research Centre
Classification: Likely benign. Last evaluated: 2025-08-18. Review status: criteria provided, single submitter. Criteria: ACMG Guidelines, 2015. Collection method: clinical testing. Allele origin: germline.

Mayo Clinic Laboratories, Mayo Clinic
Classification: Benign. Last evaluated: 2024-10-14. Review status: criteria provided, single submitter. Criteria: ACMG Guidelines, 2015. Collection method: clinical testing. Allele origin: germline. Observed: 1 variant allele.
Comment: BS1, BS2

Women's Health and Genetics/Laboratory Corporation of America, LabCorp
Classification: Benign. Last evaluated: 2022-05-12. Review status: criteria provided, single submitter. Criteria: LabCorp Variant Classification Summary - May 2015. Collection method: clinical testing. Allele origin: germline.
Comment: Variant summary: CAD c.4930T>C (p.Phe1644Leu) results in a non-conservative amino acid change in the encoded protein sequence. Three of three in-silico tools predict a damaging effect of the variant on protein function. The variant allele was found at a frequency of 0.005 in 249228 control chromosomes, predominantly at a frequency of 0.0076 within the Non-Finnish European subpopulation in the gnomAD database, including 7 homozygotes. The observed variant frequency within Non-Finnish European control individuals in the gnomAD database is approximately 7 fold of the estimated maximal expected allele frequency for a pathogenic variant in CAD causing Early Infantile Epileptic Encephalopathy, 50 phenotype (0.0011), strongly suggesting that the variant is a benign polymorphism found primarily in populations of Non-Finnish European origin. To our knowledge, no occurrence of c.4930T>C in individuals affected with Early Infantile Epileptic Encephalopathy, 50 and no experimental evidence demonstrating its impact on protein function have been reported. Three ClinVar submitters (evaluation after 2014) cite the variant as benign (n=1) and likely benign (n=2). Based on the evidence outlined above, the variant was classified as benign.

Ambry Genetics
Classification: Benign for Inborn genetic diseases. Last evaluated: 2022-02-28. Review status: criteria provided, single submitter. Criteria: Ambry Variant Classification Scheme 2023. Collection method: clinical testing. Allele origin: germline.

Mendelics
Classification: Likely benign for Developmental and epileptic encephalopathy, 50. Last evaluated: 2019-05-28. Review status: criteria provided, single submitter. Criteria: Mendelics Assertion Criteria 2017. Collection method: clinical testing. Allele origin: unknown.

PreventionGenetics, part of Exact Sciences
Classification: Benign for CAD-related condition. Last evaluated: 2019-10-14. Review status: no assertion criteria provided. Collection method: clinical testing. Allele origin: germline. Not counted in ClinVar's aggregate classification.
Comment: This variant is classified as benign based on ACMG/AMP sequence variant interpretation guidelines (Richards et al. 2015 PMID: 25741868, with internal and published modifications).

NM_004341.5(CAD):c.4930T>C (p.Phe1644Leu)

Gene: CAD (carbamoyl-phosphate synthetase 2, aspartate transcarbamylase, and dihydroorotase; plus strand). Cytogenetic location: 2p23.3.
Variant type: single nucleotide variant.
Coding change: c.4930T>C on transcript NM_004341.5 (MANE Select); coding-DNA position 4930, T replaced by C.
Protein change: p.Phe1644Leu; replaces phenylalanine 1644 with leucine.
Molecular consequence: missense variant.
Genome position (GRCh38, 1-based): chr2:27,238,500, T>C. VCF-style: chr2-27238500-T-C. GRCh37 (hg19) VCF-style: chr2-27461368-T-C.
Other names: p.Phe1644Leu; c.4741T>C, p.Phe1581Leu (NM_001306079.2); c.4930T>C (NM_004341.3); short protein forms F1581L, F1644L.
Identifiers: ClinVar variation 788724 (VCV000788724.57), dbSNP rs144692793, ClinGen allele CA1573698.
Genomic context (GRCh38, chr2:27,238,500, plus strand): 5'-ATTAAAGCTGCAAAGGCACGGGGCTTGCCAGTGACCTGCGAGGTGGCTCCCCACCACCTG[T>C]TCCTAAGCCATGATGACCTGGAGCGCCTGGGGCCTGGGAAGGGGGAGGTCCGGCCTGAGC-3'
Protein context (NP_004332.2, residues 1634-1654): VTCEVAPHHL[Phe1644Leu]LSHDDLERLG